The following is an entry in ClinVar:

NM_001128840.3(CACNA1D):c.5570C>T (p.Ser1857Leu)

Gene: CACNA1D (calcium voltage-gated channel subunit alpha1 D; plus strand). Cytogenetic location: 3p21.1.
Variant type: single nucleotide variant.
Coding change: c.5570C>T on transcript NM_001128840.3 (MANE Select); coding-DNA position 5570, C replaced by T.
Protein change: p.Ser1857Leu; replaces serine 1857 with leucine.
Molecular consequence: missense variant.
Genome position (GRCh38, 1-based): chr3:53,803,557, C>T. VCF-style: chr3-53803557-C-T. GRCh37 (hg19) VCF-style: chr3-53837584-C-T.
Other names: c.5630C>T, p.Ser1877Leu (NM_000720.4); c.5498C>T, p.Ser1833Leu (NM_001128839.3); short protein forms S1857L, S1877L, S1833L.
Identifiers: ClinVar variation 1898207 (VCV001898207.5), dbSNP rs772809958, ClinGen allele CA2455172.

ClinVar aggregate classification (germline): Uncertain significance (1 of 4 stars; one submission).

Allele frequency attached by ClinVar (database versions not stated): ExAC 0.00001; gnomAD exomes 0.00001; TOPMed 0.00001.
gnomAD v4.1: 19 of 1,614,076 alleles (0.0012%); highest among the groups gnomAD compares: South Asian, 0.0044%; no homozygotes.

Submission:

Labcorp Genetics (formerly Invitae), Labcorp
Classification: Uncertain significance. Last evaluated: 2025-08-29. Review status: criteria provided, single submitter. Criteria: Invitae Variant Classification Sherloc (09022015). Collection method: clinical testing. Allele origin: germline.
Comment: This sequence change replaces serine, which is neutral and polar, with leucine, which is neutral and non-polar, at codon 1877 of the CACNA1D protein (p.Ser1877Leu). This variant is present in population databases (rs772809958, gnomAD 0.006%). This variant has not been reported in the literature in individuals affected with CACNA1D-related conditions. ClinVar contains an entry for this variant (Variation ID: 1898207). An algorithm developed to predict the effect of missense changes on protein structure and function (PolyPhen-2) suggests that this variant is likely to be tolerated. In summary, the available evidence is currently insufficient to determine the role of this variant in disease. Therefore, it has been classified as a Variant of Uncertain Significance.